The following is an entry in ClinVar:

ClinVar aggregate classification (germline): Likely benign (0 of 4 stars; one submission).

Conditions:
PRR12-related disorder. Also called: PRR12-related condition.

Allele frequency attached by ClinVar (database versions not stated): gnomAD 0.00006.
gnomAD v4.1: 57 of 1,457,080 alleles (0.0039%); highest among the groups gnomAD compares: Non-Finnish European, 0.005%; no homozygotes.

Submission:

PreventionGenetics, part of Exact Sciences
Classification: Likely benign for PRR12-related condition. Last evaluated: 2022-03-30. Review status: no assertion criteria provided. Collection method: clinical testing. Allele origin: germline.
Comment: This variant is classified as likely benign based on ACMG/AMP sequence variant interpretation guidelines (Richards et al. 2015 PMID: 25741868, with internal and published modifications).

NM_020719.3(PRR12):c.4413T>C (p.Pro1471=)

Gene: PRR12 (proline rich 12; plus strand). Cytogenetic location: 19q13.33.
Variant type: single nucleotide variant.
Coding change: c.4413T>C on transcript NM_020719.3 (MANE Select); coding-DNA position 4413, T replaced by C.
Protein change: p.Pro1471=; no amino-acid change (proline 1471 retained).
Molecular consequence: synonymous variant.
Genome position (GRCh38, 1-based): chr19:49,601,558, T>C. VCF-style: chr19-49601558-T-C. GRCh37 (hg19) VCF-style: chr19-50104815-T-C.
Identifiers: ClinVar variation 3032455 (VCV003032455.2), dbSNP rs1412489213, ClinGen allele CA508290119.